The following is an entry in ClinVar:

NM_001367624.2(ZNF469):c.9623G>A (p.Arg3208Gln)

Gene: ZNF469 (zinc finger protein 469; plus strand). Cytogenetic location: 16q24.2.
Variant type: single nucleotide variant.
Coding change: c.9623G>A on transcript NM_001367624.2 (MANE Select); coding-DNA position 9623, G replaced by A.
Protein change: p.Arg3208Gln; replaces arginine 3208 with glutamine.
Molecular consequence: missense variant.
Genome position (GRCh38, 1-based): chr16:88,437,093, G>A. VCF-style: chr16-88437093-G-A. GRCh37 (hg19) VCF-style: chr16-88503501-G-A.
Other names: NM_001127464.1:c.9539G>A; short protein forms R3208Q.
Identifiers: ClinVar variation 1767299 (VCV001767299.5), dbSNP rs756776866, ClinGen allele CA286385614.

ClinVar aggregate classification (germline): Uncertain significance. Review status: criteria provided, multiple submitters, no conflicts (2 of 4 stars). 2 submissions from 2 submitters: Uncertain significance (2). Last evaluated 2025-01-21.

Conditions:
Cardiovascular phenotype. Identifiers: MedGen CN230736.

Allele frequency attached by ClinVar (database versions not stated): gnomAD 0.00001; TOPMed 0.00001.
gnomAD v4.1: 43 of 1,545,618 alleles (0.0028%); highest among the groups gnomAD compares: Non-Finnish European, 0.0036%; no homozygotes.

Submissions (2):

Ambry Genetics
Classification: Uncertain significance for Cardiovascular phenotype. Last evaluated: 2025-01-21. Review status: criteria provided, single submitter. Criteria: Ambry Variant Classification Scheme 2023. Collection method: clinical testing. Allele origin: germline.
Comment: The p.R3180Q variant (also known as c.9539G>A), located in coding exon 2 of the ZNF469 gene, results from a G to A substitution at nucleotide position 9539. The arginine at codon 3180 is replaced by glutamine, an amino acid with highly similar properties. This amino acid position is conserved. In addition, this alteration is predicted to be tolerated by in silico analysis. Since supporting evidence is limited at this time, the clinical significance of this alteration remains unclear.

Labcorp Genetics (formerly Invitae), Labcorp
Classification: Uncertain significance. Last evaluated: 2022-06-09. Review status: criteria provided, single submitter. Criteria: Invitae Variant Classification Sherloc (09022015). Collection method: clinical testing. Allele origin: germline.
Comment: This sequence change replaces arginine, which is basic and polar, with glutamine, which is neutral and polar, at codon 3180 of the ZNF469 protein (p.Arg3180Gln). This variant is present in population databases (rs756776866, gnomAD 0.006%). This variant has not been reported in the literature in individuals affected with ZNF469-related conditions. Algorithms developed to predict the effect of missense changes on protein structure and function output the following: SIFT: "Tolerated"; PolyPhen-2: "Benign"; Align-GVGD: "Class C0". The glutamine amino acid residue is found in multiple mammalian species, which suggests that this missense change does not adversely affect protein function. In summary, the available evidence is currently insufficient to determine the role of this variant in disease. Therefore, it has been classified as a Variant of Uncertain Significance.